The following is an entry in ClinVar:

NM_003238.6(TGFB2):c.874G>A (p.Glu292Lys)

Gene: TGFB2 (transforming growth factor beta 2; plus strand). Cytogenetic location: 1q41.
Variant type: single nucleotide variant.
Coding change: c.874G>A on transcript NM_003238.6 (MANE Select); coding-DNA position 874, G replaced by A.
Protein change: p.Glu292Lys; replaces glutamic acid 292 with lysine.
Molecular consequence: missense variant. On other transcripts: non-coding transcript variant (2).
Genome position (GRCh38, 1-based): chr1:218,436,089, G>A. VCF-style: chr1-218436089-G-A. GRCh37 (hg19) VCF-style: chr1-218609431-G-A.
Other names: c.958G>A, p.Glu320Lys (NM_001135599.4); short protein forms E320K, E292K.
Identifiers: ClinVar variation 2824282 (VCV002824282.3), dbSNP rs1420202420, ClinGen allele CA344727248.

ClinVar aggregate classification (germline): Uncertain significance (1 of 4 stars; one submission).

Conditions:
Loeys-Dietz syndrome 4 (LDS4). Also called: ANEURYSM, AORTIC AND CEREBRAL, WITH ARTERIAL TORTUOSITY AND SKELETAL MANIFESTATIONS; TGFB2-Related Loeys-Dietz Syndrome. Identifiers: MedGen C3553762, MONDO:0013897, OMIM 614816.

Allele frequency attached by ClinVar (database versions not stated): TOPMed below 0.00001; gnomAD 0.00001.
gnomAD v4.1: 1 of 1,614,026 alleles (0.000062%); highest among the groups gnomAD compares: African/African-American, 0.0013%; no homozygotes.

Submission:

Labcorp Genetics (formerly Invitae), Labcorp
Classification: Uncertain significance for Loeys-Dietz syndrome 4. Last evaluated: 2022-12-26. Review status: criteria provided, single submitter. Criteria: Invitae Variant Classification Sherloc (09022015). Collection method: clinical testing. Allele origin: germline.
Comment: In summary, the available evidence is currently insufficient to determine the role of this variant in disease. Therefore, it has been classified as a Variant of Uncertain Significance. Advanced modeling of protein sequence and biophysical properties (such as structural, functional, and spatial information, amino acid conservation, physicochemical variation, residue mobility, and thermodynamic stability) performed at Invitae indicates that this missense variant is not expected to disrupt TGFB2 protein function. This variant has not been reported in the literature in individuals affected with TGFB2-related conditions. This variant is not present in population databases (gnomAD no frequency). This sequence change replaces glutamic acid, which is acidic and polar, with lysine, which is basic and polar, at codon 292 of the TGFB2 protein (p.Glu292Lys).